The following is an entry in ClinVar:

ClinVar aggregate classification (germline): Likely pathogenic (1 of 4 stars; one submission).

Conditions:
Severe X-linked myotubular myopathy (CNMX). Also called: MYOTUBULAR MYOPATHY 1; X-linked centronuclear myopathy; Myotubular myopathy, X-linked. Identifiers: Orphanet 596, MedGen C0410203, MONDO:0010683, OMIM 310400.

Submission:

HUSP Clinical Genetics Laboratory, Hospital Universitario San Pedro De Logroño (HUSP)
Classification: Likely pathogenic for Severe X-linked myotubular myopathy. Review status: criteria provided, single submitter. Criteria: ACMG Guidelines, 2015. Collection method: clinical testing. Allele origin: maternal. Inheritance: X-linked recessive inheritance. Affected: yes. Observed: 2 variant alleles.
Comment: It results in a frameshift, a premature termination codon and, therefore, a truncated protein (p.Phe307LeufsTer5). This variant is not detected in general population and has not been reported in pathogenic data bases. In silico tools predict that this variant affects the function of the protein and label it as likely pathogenic. Pathogenic variants in MTM1 are associated with Myopathy, centronuclear, X-linked (OMIM: 310400). This clinical entity is characterized by neonatal hypotonia and severe respiratory problems, ending up with the dead in few days after born. The type of inheritance is X-linked recessive inheritance.

NM_000252.3(MTM1):c.919_923del (p.Phe307fs)

Gene: MTM1 (myotubularin 1; plus strand). Cytogenetic location: Xq28.
Variant type: Deletion.
Coding change: c.919_923del on transcript NM_000252.3 (MANE Select); coding-DNA positions 919 to 923, 5 bases deleted (TTCTT; older notation c.919_923delTTCTT).
Protein change: p.Phe307fs; shifts the reading frame from phenylalanine 307.
Molecular consequence: frameshift variant.
Genome position (GRCh38, 1-based): chrX:150,649,767-150,649,771, TTCTT deleted; deleting any 5 consecutive bases within chrX:150,649,764-150,649,771 gives the same sequence; the c. name uses the placement nearest the transcript's 3' end. VCF-style (leftmost placement, unchanged base first): chrX-150649763-ACTTTT-A. GRCh37 (hg19) VCF-style: chrX-149818236-ACTTTT-A.
Other names: c.919_923del, p.Phe307fs (NM_001376906.1, NM_001376908.1); c.808_812del, p.Phe270fs (NM_001376907.1); short protein forms F270fs, F307fs.
Identifiers: ClinVar variation 3237190 (VCV003237190.1), dbSNP rs2522399220.